The following is an entry in ClinVar:

ClinVar aggregate classification (germline): Conflicting classifications of pathogenicity. Review status: criteria provided, conflicting classifications (1 of 4 stars). 21 submissions from 21 submitters: Uncertain significance (1); Benign (13); Likely benign (5). 2 of the submissions do not count toward it. Last evaluated 2026-01-31.

Conditions:
Colorectal adenoma. Identifiers: MedGen C1302401, MONDO:0005484.
Hereditary cancer-predisposing syndrome. Also called: Hereditary neoplastic syndrome; Tumor predisposition; Neoplastic Syndromes, Hereditary; Hereditary Cancer Syndrome. Identifiers: Orphanet 140162, MedGen C0027672, MeSH D009386, MONDO:0015356.
Familial multiple polyposis syndrome (FAP). Also called: Familial polyposis; Familial adenomatous polyposis; Familial intestinal polyposis; Classic familial adenomatous polyposis; Familial Adenomatous Polyposis (FAP). Identifiers: Orphanet 733, MedGen C0032580, MONDO:0021055. Disease mechanism: loss of function.
Familial adenomatous polyposis 1 (FAP1). Also called: POLYPOSIS, ADENOMATOUS INTESTINAL; FAMILIAL ADENOMATOUS POLYPOSIS 1, ATTENUATED. Identifiers: MedGen C2713442, MONDO:0021056, OMIM 175100. Disease mechanism: loss of function.
Familial colorectal cancer. Identifiers: MedGen CN280943, MONDO:0023113. Disease mechanism: loss of function.

Allele frequency attached by ClinVar (database versions not stated): gnomAD 0.00255 and 0.00271; TOPMed 0.00294; gnomAD exomes 0.00025 and 0.00060; ExAC 0.00054; 1000 Genomes Project 0.00080; 1000 Genomes Project 30x 0.00109; ESP Exome Variant Server 0.00246.
gnomAD v4.1: 765 of 1,614,122 alleles (0.047%); highest among the groups gnomAD compares: African/African-American, 0.91%; 9 homozygotes.

Submissions 1 to 20 of 21:

Labcorp Genetics (formerly Invitae), Labcorp
Classification: Benign for Familial adenomatous polyposis 1. Last evaluated: 2026-01-31. Review status: criteria provided, single submitter. Criteria: Invitae Variant Classification Sherloc (09022015). Collection method: clinical testing. Allele origin: germline.

Dasa
Classification: Benign. Last evaluated: 2025-12-02. Review status: criteria provided, single submitter. Criteria: DASA Assertion Criteria. Collection method: clinical testing. Allele origin: germline.
Comment: NM_000038.6(APC):c.4360A>G (p.Lys1454Glu) is interpreted as benign based on a combination of available evidence, including population frequency. Based on the available data, this variant is classified as benign.

ARUP Laboratories, Molecular Genetics and Genomics, ARUP Laboratories
Classification: Benign. Last evaluated: 2025-05-01. Review status: criteria provided, single submitter. Criteria: ARUP Molecular Germline Variant Investigation Process 2024. Collection method: clinical testing. Allele origin: germline.

Mayo Clinic Laboratories, Mayo Clinic
Classification: Benign. Last evaluated: 2025-03-17. Review status: criteria provided, single submitter. Criteria: ACMG Guidelines, 2015. Collection method: clinical testing. Allele origin: germline. Observed: 2 variant alleles.
Comment: BA1, BP1

Center for Genomic Medicine, Rigshospitalet, Copenhagen University Hospital
Classification: Likely benign. Last evaluated: 2025-03-04. Review status: criteria provided, single submitter. Criteria: ACMG Guidelines, 2015. Collection method: clinical testing. Allele origin: germline.

Quest Diagnostics Nichols Institute San Juan Capistrano
Classification: Benign. Last evaluated: 2025-01-29. Review status: criteria provided, single submitter. Criteria: Quest Diagnostics criteria. Collection method: clinical testing. Allele origin: unknown.

Blueprint Genetics
Classification: Likely benign. Last evaluated: 2024-11-13. Review status: criteria provided, single submitter. Criteria: ACMG Guidelines, 2015. Collection method: clinical testing. Allele origin: germline.

Molecular Diagnostics Laboratory, Catalan Institute of Oncology
Classification: Benign for Hereditary cancer-predisposing syndrome. Last evaluated: 2024-10-06. Review status: criteria provided, single submitter. Criteria: ClinGen ACMG Specifications APC V1.0.0. Collection method: clinical testing. Allele origin: germline.
Comment: BA1, BP1 c.4360A>G, located in exon 16 of the APC gene, is predicted to result in the substitution of lysine by glutamic acid at codon 1454, p.(Lys1454Glu)(BP1). This variant is found in 194/23608 at a filtering allele frequency of 0.72% in the African population of the gnomAD v2.1.1 database non-cancer data set (BA1). The SpliceAI algorithm predicts no significant impact on splicing. The REVEL meta-predictor score for this variant (0.554) is indeterminate regarding the effect that it may have on protein function according to Pejaver 2022 thresholds (PMID: 36413997). In addition, the variant was also identified in the ClinVar database (18x likely benign, 6x benign) and in LOVD database (1x uncertain significance). Based on currently available information, c.4360A>G is classified as a benign variant according to ClinGen-APC Guidelines version v1.

Color Diagnostics, LLC DBA Color Health
Classification: Benign for Hereditary cancer-predisposing syndrome. Last evaluated: 2024-09-19. Review status: criteria provided, single submitter. Criteria: ACMG Guidelines, 2015. Collection method: clinical testing. Allele origin: germline.

Sema4
Classification: Benign for Hereditary cancer-predisposing syndrome. Last evaluated: 2020-11-25. Review status: criteria provided, single submitter. Criteria: Sema4 Curation Guidelines. Collection method: curation. Allele origin: germline.

Genetic Services Laboratory, University of Chicago
Classification: Benign. Last evaluated: 2019-07-12. Review status: criteria provided, single submitter. Criteria: ACMG Guidelines, 2015. Collection method: clinical testing. Allele origin: germline. Affected: no.

Mendelics
Classification: Benign for Familial adenomatous polyposis 1. Last evaluated: 2019-05-28. Review status: criteria provided, single submitter. Criteria: Mendelics Assertion Criteria 2017. Collection method: clinical testing. Allele origin: unknown.

Institute for Genomic Medicine (IGM) Clinical Laboratory, Nationwide Children's Hospital
Classification: Likely benign. Last evaluated: 2017-09-05. Review status: criteria provided, single submitter. Criteria: ACMG Guidelines, 2015. Collection method: clinical testing. Allele origin: germline.
Comment: BS1, BP6; This alteration has an allele frequency that is greater than expected for the associated disease, and was reported as a benign/likely benign alteration by a reputable source (ClinVar or other correspondence from a clinical testing laboratory).

PreventionGenetics, part of Exact Sciences
Classification: Benign. Last evaluated: 2017-06-09. Review status: criteria provided, single submitter. Criteria: ACMG Guidelines, 2015. Collection method: clinical testing. Allele origin: germline.

Women's Health and Genetics/Laboratory Corporation of America, LabCorp
Classification: Likely benign. Last evaluated: 2016-09-16. Review status: criteria provided, single submitter. Criteria: LabCorp Variant Classification Summary - May 2015. Collection method: clinical testing. Allele origin: germline.
Comment: Variant summary: The APC c.4360A>G (p.Lys1454Glu) variant involves the alteration of a conserved nucleotide. 3/4 in silico tools predict a benign outcome for this variant. This variant is not located in any known domain/repeat (InterPro). This variant was found in 68/123380 control chromosomes, predominantly observed in the African subpopulation at a frequency of 0.0053867 (56/10396). This frequency is about 75 times the estimated maximal expected allele frequency of a pathogenic APC variant (0.0000714), suggesting this is likely a benign polymorphism found primarily in the populations of African origin. In literature, the variant has also been reported in patients of various cancer phenotypes (such as FAP, prostate cancer, hepatic cancer, CRC, bladder cancer and B-cell lymphoma) including somatic occurrences, however, without strong evidence for causality. One functional study showed that this variant has a normal effect in an in vitro beta-cateninregulated transcription (CRT) assay (Azzopardi_2008). Multiple clinical labs have classified this variant as benign/likely benign (3 labs) to uncertain significance (1 lab and 1 database). Taken together, this variant has currently been classified as a Likely Benign.

Laboratory for Molecular Medicine, Mass General Brigham Personalized Medicine
Classification: Likely benign. Last evaluated: 2016-08-12. Review status: criteria provided, single submitter. Criteria: LMM Criteria. Collection method: clinical testing. Allele origin: germline.
Comment: Variant identified in a genome or exome case(s) and assessed due to predicted null impact of the variant or pathogenic assertions in the literature or databases. Disclaimer: This variant has not undergone full assessment. The following are preliminary notes: Frequency high for disorder; multiple papers question pathogenicity

GeneDx
Classification: Benign. Last evaluated: 2016-05-27. Review status: criteria provided, single submitter. Criteria: GeneDx Variant Classification (06012015). Collection method: clinical testing. Allele origin: germline. Affected: yes.
Comment: This variant is considered likely benign or benign based on one or more of the following criteria: it is a conservative change, it occurs at a poorly conserved position in the protein, it is predicted to be benign by multiple in silico algorithms, and/or has population frequency not consistent with disease.

Genomic Diagnostic Laboratory, Division of Genomic Diagnostics, Children's Hospital of Philadelphia
Classification: Uncertain significance for Adenomatous polyposis coli. Last evaluated: 2015-10-13. Review status: criteria provided, single submitter. Criteria: DGD Variant Analysis Guidelines. Collection method: clinical testing. Allele origin: unknown.

Ambry Genetics
Classification: Benign for Hereditary cancer-predisposing syndrome. Last evaluated: 2015-01-20. Review status: criteria provided, single submitter. Criteria: Ambry Variant Classification Scheme 2023. Collection method: clinical testing. Allele origin: germline.

CSER _CC_NCGL, University of Washington
Classification: Uncertain significance for Colorectal adenoma. Last evaluated: 2014-06-01. Review status: no assertion criteria provided. Collection method: research. Allele origin: germline. Inheritance: Autosomal dominant inheritance. Study: ESP 6500 variant annotation. Not counted in ClinVar's aggregate classification.
Comment: Variants classified for the Actionable exomic incidental findings in 6503 participants: challenges of variant classification manuscript

NM_000038.6(APC):c.4360A>G (p.Lys1454Glu)

Gene: APC (APC regulator of Wnt signaling pathway; plus strand). Cytogenetic location: 5q22.2.
Variant type: single nucleotide variant.
Coding change: c.4360A>G on transcript NM_000038.6 (MANE Select); coding-DNA position 4360, A replaced by G.
Protein change: p.Lys1454Glu; replaces lysine 1454 with glutamic acid.
Molecular consequence: missense variant.
Genome position (GRCh38, 1-based): chr5:112,839,954, A>G. VCF-style: chr5-112839954-A-G. GRCh37 (hg19) VCF-style: chr5-112175651-A-G.
Other names: p.K1454E:AAA>GAA; c.4360A>G, p.Lys1454Glu (NM_001127510.3, NM_001354895.2); c.4306A>G, p.Lys1436Glu (NM_001127511.3); c.4414A>G, p.Lys1472Glu (NM_001354896.2); c.4390A>G, p.Lys1464Glu (NM_001354897.2); c.4285A>G, p.Lys1429Glu (NM_001354898.2); c.4276A>G, p.Lys1426Glu (NM_001354899.2); c.4237A>G, p.Lys1413Glu (NM_001354900.2); and 6 more; short protein forms K1454E, K1436E, K1328E, K1413E, K1426E, K1363E, K1429E, K1464E.
Identifiers: ClinVar variation 127295 (VCV000127295.45), dbSNP rs111866410, ClinGen allele CA009483.